The following is an entry in ClinVar:

ClinVar aggregate classification (germline): Uncertain significance (1 of 4 stars; one submission).

Conditions:
Cardiovascular phenotype. Identifiers: MedGen CN230736.

Submission:

Ambry Genetics
Classification: Uncertain significance for Cardiovascular phenotype. Last evaluated: 2020-03-22. Review status: criteria provided, single submitter. Criteria: Ambry Variant Classification Scheme 2023. Collection method: clinical testing. Allele origin: germline.
Comment: The p.H2078Y variant (also known as c.6232C>T), located in coding exon 26 of the AKAP9 gene, results from a C to T substitution at nucleotide position 6232. The histidine at codon 2078 is replaced by tyrosine, an amino acid with similar properties. This amino acid position is highly conserved in available vertebrate species. In addition, this alteration is predicted to be tolerated by in silico analysis. Since supporting evidence is limited at this time, the clinical significance of this alteration remains unclear.

NM_005751.5(AKAP9):c.6232C>T (p.His2078Tyr)

Gene: AKAP9 (A-kinase anchoring protein 9; plus strand). Cytogenetic location: 7q21.2.
Variant type: single nucleotide variant.
Coding change: c.6232C>T on transcript NM_005751.5 (MANE Select); coding-DNA position 6232, C replaced by T.
Protein change: p.His2078Tyr; replaces histidine 2078 with tyrosine.
Molecular consequence: missense variant.
Genome position (GRCh38, 1-based): chr7:92,066,448, C>T. VCF-style: chr7-92066448-C-T. GRCh37 (hg19) VCF-style: chr7-91695762-C-T.
Other names: c.6232C>T, p.His2078Tyr (NM_147185.3); c.877C>T, p.His293Tyr (NM_001379277.1); short protein forms H293Y, H2078Y.
Identifiers: ClinVar variation 1752347 (VCV001752347.2), dbSNP rs945598717, ClinGen allele CA161915731.